The following is an entry in ClinVar:

NM_001220.5(CAMK2B):c.778C>G (p.Arg260Gly)

Gene: CAMK2B (calcium/calmodulin dependent protein kinase II beta; minus strand). Cytogenetic location: 7p13.
Variant type: single nucleotide variant.
Coding change: c.778C>G on transcript NM_001220.5 (MANE Select); coding-DNA position 778, C replaced by G.
Protein change: p.Arg260Gly; replaces arginine 260 with glycine.
Molecular consequence: missense variant.
Genome position (GRCh38, 1-based): chr7:44,242,259, G>C on the plus strand (C>G on the coding strand, the complement: CAMK2B is on the minus strand). VCF-style: chr7-44242259-G-C. GRCh37 (hg19) VCF-style: chr7-44281858-G-C.
Other names: c.778C>G, p.Arg260Gly (NM_001293170.2, NM_172078.3, NM_172079.3 and 5 more transcripts); short protein forms R260G.
Identifiers: ClinVar variation 4795448 (VCV004795448.1).

ClinVar aggregate classification (germline): Pathogenic (1 of 4 stars; one submission).

Submission:

GeneDx
Classification: Pathogenic. Last evaluated: 2025-08-12. Review status: criteria provided, single submitter. Criteria: GeneDx Variant Classification Process June 2021. Collection method: clinical testing. Allele origin: germline. Affected: yes.
Comment: Not observed at significant frequency in large population cohorts (gnomAD); In silico analysis supports that this missense variant has a deleterious effect on protein structure/function; Has not been previously published as pathogenic or benign to our knowledge